The following is an entry in ClinVar:

NM_005763.4(AASS):c.1407-17_1407-16insC

Gene: AASS (aminoadipate-semialdehyde synthase; minus strand). Cytogenetic location: 7q31.32.
Variant type: Insertion.
Coding change: c.1407-17_1407-16insC on transcript NM_005763.4 (MANE Select); 17 bases into the intron before coding-DNA position 1407 through 16 bases into the intron before coding-DNA position 1407, C inserted.
Molecular consequence: intron variant.
Genome position: GRCh38 VCF-style: chr7-122098882-A-AG. GRCh37 (hg19) VCF-style: chr7-121738936-A-AG.
Identifiers: ClinVar variation 4847411 (VCV004847411.1).

ClinVar aggregate classification (germline): Likely benign (1 of 4 stars; one submission).

Submission:

Women's Health and Genetics/Laboratory Corporation of America, LabCorp
Classification: Likely benign. Last evaluated: 2026-03-09. Review status: criteria provided, single submitter. Criteria: LabCorp Variant Classification Summary - May 2015. Collection method: clinical testing. Allele origin: germline.
Comment: Variant summary: AASS c.1407-17_1407-16insC alters a nucleotide located at a position not widely known to affect splicing. Consensus agreement among computation tools predict no significant impact on normal splicing. However, these predictions have yet to be confirmed by functional studies. The variant was absent in 165492 control chromosomes. The available data on variant occurrences in the general population are insufficient to allow any conclusion about variant significance. To our knowledge, no occurrence of c.1407-17_1407-16insC in individuals affected with AASS-related conditions and no experimental evidence demonstrating its impact on protein function have been reported. No submitters have cited clinical-significance assessments for this variant to ClinVar. Based on the evidence outlined above, the variant was classified as likely benign.